The following is an entry in ClinVar:

ClinVar aggregate classification (germline): Uncertain significance (1 of 4 stars; one submission).

Conditions:
Hereditary cancer-predisposing syndrome. Also called: Hereditary Cancer Syndrome; Hereditary neoplastic syndrome; Neoplastic Syndromes, Hereditary; Tumor predisposition. Identifiers: Orphanet 140162, MedGen C0027672, MeSH D009386, MONDO:0015356.

gnomAD v4.1: 2 of 1,613,298 alleles (0.00012%); highest among the groups gnomAD compares: South Asian, 0.0022%; no homozygotes.

Submission:

Ambry Genetics
Classification: Uncertain significance for Hereditary cancer-predisposing syndrome. Last evaluated: 2025-07-24. Review status: criteria provided, single submitter. Criteria: Ambry Variant Classification Scheme 2023. Collection method: clinical testing. Allele origin: germline.
Comment: The p.H36Y variant (also known as c.106C>T), located in coding exon 1 of the HOXB13 gene, results from a C to T substitution at nucleotide position 106. The histidine at codon 36 is replaced by tyrosine, an amino acid with similar properties. This amino acid position is well conserved in available vertebrate species. In addition, the in silico prediction for this alteration is inconclusive. Based on the available evidence, the clinical significance of this variant remains unclear.

NM_006361.6(HOXB13):c.106C>T (p.His36Tyr)

Gene: HOXB13 (homeobox B13; minus strand). Cytogenetic location: 17q21.32.
Variant type: single nucleotide variant.
Coding change: c.106C>T on transcript NM_006361.6 (MANE Select); coding-DNA position 106, C replaced by T.
Protein change: p.His36Tyr; replaces histidine 36 with tyrosine.
Molecular consequence: missense variant.
Genome position (GRCh38, 1-based): chr17:48,728,488, G>A on the plus strand (C>T on the coding strand, the complement: HOXB13 is on the minus strand). VCF-style: chr17-48728488-G-A. GRCh37 (hg19) VCF-style: chr17-46805850-G-A.
Other names: short protein forms H36Y.
Identifiers: ClinVar variation 4271774 (VCV004271774.1).